The following is an entry in ClinVar:

ClinVar aggregate classification (germline): Likely benign. Review status: criteria provided, multiple submitters, no conflicts (2 of 4 stars). 2 submissions from 2 submitters: Likely benign (2). Last evaluated 2024-07-01.

Conditions:
Desmin-related myofibrillar myopathy (MFM1). Also called: MYOFIBRILLAR MYOPATHY WITH ARRHYTHMOGENIC RIGHT VENTRICULAR CARDIOMYOPATHY; DESMIN-RELATED MYOPATHY WITH ARRHYTHMOGENIC RIGHT VENTRICULAR CARDIOMYOPATHY; Desminopathy; Desmin related myopathy (former name); Desmin storage myopathy (former name); Myofibrillar myopathy 1. Identifiers: Orphanet 363543, Orphanet 98909, MedGen C1832370, MONDO:0011076, OMIM 601419.

gnomAD v4.1: 1 of 1,613,910 alleles (0.000062%); highest among the groups gnomAD compares: Non-Finnish European, 0.000085%; no homozygotes.

Submissions (2):

Labcorp Genetics (formerly Invitae), Labcorp
Classification: Likely benign for Desmin-related myofibrillar myopathy. Last evaluated: 2024-07-01. Review status: criteria provided, single submitter. Criteria: Invitae Variant Classification Sherloc (09022015). Collection method: clinical testing. Allele origin: germline.

Laboratory for Molecular Medicine, Mass General Brigham Personalized Medicine
Classification: Likely benign. Last evaluated: 2011-12-23. Review status: criteria provided, single submitter. Criteria: LMM Criteria. Collection method: clinical testing. Allele origin: germline. Observed: 1 variant allele.
Comment: Ile420Ile in exon 7 of DES: This variant is not expected to have clinical signif icance because it does not alter an amino acid residue and is not located within the splice consensus sequence. Ile420Ile in exon 7 of DES (allele frequency = n/a)

NM_001927.4(DES):c.1260C>T (p.Ile420=)

Gene: DES (desmin; plus strand). Cytogenetic location: 2q35.
Variant type: single nucleotide variant.
Coding change: c.1260C>T on transcript NM_001927.4 (MANE Select); coding-DNA position 1260, C replaced by T.
Protein change: p.Ile420=; no amino-acid change (isoleucine 420 retained).
Molecular consequence: synonymous variant.
Genome position (GRCh38, 1-based): chr2:219,423,792, C>T. VCF-style: chr2-219423792-C-T. GRCh37 (hg19) VCF-style: chr2-220288514-C-T.
Identifiers: ClinVar variation 44249 (VCV000044249.6), dbSNP rs397516688, ClinGen allele CA133820.
Genomic context (GRCh38, chr2:219,423,792, plus strand): 5'-GGGAGGGTTCTTAACTCTTAGGAGGTTTTGTCTCTTCCCTTTTAGGATCAATCTCCCCAT[C>T]CAGACCTACTCTGCCCTCAACTTCCGAGGTGAGTGTCTGCTGGCAGGCGGAGGCTGGAGT-3'
Protein context (NP_001918.3, residues 410-430): EGEESRINLP[Ile420=]QTYSALNFRE